The following is an entry in ClinVar:

NM_001127222.2(CACNA1A):c.1996G>A (p.Gly666Ser)

Gene: CACNA1A (calcium voltage-gated channel subunit alpha1 A; minus strand). Cytogenetic location: 19p13.13.
Variant type: single nucleotide variant.
Coding change: c.1996G>A on transcript NM_001127222.2 (MANE Select); coding-DNA position 1996, G replaced by A.
Protein change: p.Gly666Ser; replaces glycine 666 with serine.
Molecular consequence: missense variant.
Genome position (GRCh38, 1-based): chr19:13,303,875, C>T on the plus strand (G>A on the coding strand, the complement: CACNA1A is on the minus strand). VCF-style: chr19-13303875-C-T. GRCh37 (hg19) VCF-style: chr19-13414689-C-T.
Other names: c.1999G>A, p.Gly667Ser (NM_000068.4, NM_001127221.2, NM_001174080.2 and 1 more transcripts); short protein forms G666S, G667S.
Identifiers: ClinVar variation 1308021 (VCV001308021.3), dbSNP rs2144980934, ClinGen allele CA404344501.

ClinVar aggregate classification (germline): Uncertain significance (1 of 4 stars; one submission).

Submission:

GeneDx
Classification: Uncertain significance. Last evaluated: 2025-12-19. Review status: criteria provided, single submitter. Criteria: GeneDx Variant Classification Process June 2021. Collection method: clinical testing. Allele origin: germline. Affected: yes.
Comment: Not observed at significant frequency in large population cohorts (gnomAD); In silico analysis supports that this missense variant has a deleterious effect on protein structure/function; Has not been previously published as pathogenic or benign to our knowledge; This variant is associated with the following publications: (PMID: 33163565)